The following is an entry in ClinVar:

ClinVar aggregate classification (germline): Uncertain significance (1 of 4 stars; one submission).

Conditions:
MEGF10-related myopathy (CMYO10A). Also called: Congenital myopathy 10A, severe variant. Identifiers: Orphanet 439212, MedGen C3280679, MONDO:0013731, OMIM 614399.

Allele frequency attached by ClinVar (database versions not stated): gnomAD exomes below 0.00001; TOPMed below 0.00001.
gnomAD v4.1: 8 of 1,613,974 alleles (0.0005%); highest among the groups gnomAD compares: Admixed American, 0.0017%; no homozygotes.

Submission:

Labcorp Genetics (formerly Invitae), Labcorp
Classification: Uncertain significance for MEGF10-related myopathy. Last evaluated: 2023-05-22. Review status: criteria provided, single submitter. Criteria: Invitae Variant Classification Sherloc (09022015). Collection method: clinical testing. Allele origin: germline.
Comment: This sequence change replaces glutamine, which is neutral and polar, with arginine, which is basic and polar, at codon 193 of the MEGF10 protein (p.Gln193Arg). This variant is present in population databases (no rsID available, gnomAD 0.01%). This variant has not been reported in the literature in individuals affected with MEGF10-related conditions. ClinVar contains an entry for this variant (Variation ID: 2058180). Advanced modeling of protein sequence and biophysical properties (such as structural, functional, and spatial information, amino acid conservation, physicochemical variation, residue mobility, and thermodynamic stability) performed at Invitae indicates that this missense variant is not expected to disrupt MEGF10 protein function. In summary, the available evidence is currently insufficient to determine the role of this variant in disease. Therefore, it has been classified as a Variant of Uncertain Significance.

NM_001256545.2(MEGF10):c.578A>G (p.Gln193Arg)

Gene: MEGF10 (multiple EGF like domains 10; plus strand). Cytogenetic location: 5q23.2.
Variant type: single nucleotide variant.
Coding change: c.578A>G on transcript NM_001256545.2 (MANE Select); coding-DNA position 578, A replaced by G.
Protein change: p.Gln193Arg; replaces glutamine 193 with arginine.
Molecular consequence: missense variant.
Genome position (GRCh38, 1-based): chr5:127,396,697, A>G. VCF-style: chr5-127396697-A-G. GRCh37 (hg19) VCF-style: chr5-126732389-A-G.
Other names: c.578A>G, p.Gln193Arg (NM_001308119.2, NM_001308121.2, NM_032446.3); short protein forms Q193R.
Identifiers: ClinVar variation 2058180 (VCV002058180.2), dbSNP rs1303347970, ClinGen allele CA360718740.
Genomic context (GRCh38, chr5:127,396,697, plus strand): 5'-TCCGGGGCTGGCGCTGCGAGGACCGCTGTGAGCAGGGCACCTATGGTAACGACTGTCATC[A>G]GAGATGCCAGTGCCAGAATGGAGCCACCTGCGACCACGTCACGGGGGAATGCCGCTGCCC-3'
Protein context (NP_001243474.1, residues 183-203): EQGTYGNDCH[Gln193Arg]RCQCQNGATC